The following is an entry in ClinVar:

NM_004924.6(ACTN4):c.1855A>G (p.Ile619Val)

Gene: ACTN4 (actinin alpha 4; plus strand). Cytogenetic location: 19q13.2.
Variant type: single nucleotide variant.
Coding change: c.1855A>G on transcript NM_004924.6 (MANE Select); coding-DNA position 1855, A replaced by G.
Protein change: p.Ile619Val; replaces isoleucine 619 with valine.
Molecular consequence: missense variant.
Genome position (GRCh38, 1-based): chr19:38,724,319, A>G. VCF-style: chr19-38724319-A-G. GRCh37 (hg19) VCF-style: chr19-39214959-A-G.
Other names: c.1855A>G, p.Ile619Val (NM_001322033.2, NM_001411143.1); short protein forms I619V.
Identifiers: ClinVar variation 2992073 (VCV002992073.3), dbSNP rs2515293165, ClinGen allele CA405698102.

ClinVar aggregate classification (germline): Uncertain significance (1 of 4 stars; one submission).

Allele frequency attached by ClinVar (database versions not stated): gnomAD exomes below 0.00001.
gnomAD v4.1: 2 of 1,613,630 alleles (0.00012%); highest among the groups gnomAD compares: Admixed American, 0.0017%; no homozygotes.

Submission:

Labcorp Genetics (formerly Invitae), Labcorp
Classification: Uncertain significance. Last evaluated: 2024-01-29. Review status: criteria provided, single submitter. Criteria: Invitae Variant Classification Sherloc (09022015). Collection method: clinical testing. Allele origin: germline.
Comment: This sequence change replaces isoleucine, which is neutral and non-polar, with valine, which is neutral and non-polar, at codon 619 of the ACTN4 protein (p.Ile619Val). This variant is not present in population databases (gnomAD no frequency). This variant has not been reported in the literature in individuals affected with ACTN4-related conditions. Advanced modeling of protein sequence and biophysical properties (such as structural, functional, and spatial information, amino acid conservation, physicochemical variation, residue mobility, and thermodynamic stability) performed at Invitae indicates that this missense variant is not expected to disrupt ACTN4 protein function with a negative predictive value of 80%. In summary, the available evidence is currently insufficient to determine the role of this variant in disease. Therefore, it has been classified as a Variant of Uncertain Significance.